The following is an entry in ClinVar:

ClinVar aggregate classification (germline): Uncertain significance (1 of 4 stars; one submission).

Submission:

Ambry Genetics
Classification: Uncertain significance. Last evaluated: 2026-08-05. Review status: criteria provided, single submitter. Criteria: Ambry Variant Classification Scheme 2023. Collection method: clinical testing. Allele origin: germline.
Comment: The c.674G>A (p.S225N) alteration is located in exon 7 (coding exon 7) of the NOMO1 gene. This alteration results from a G to A substitution at nucleotide position 674, causing the serine (S) at amino acid position 225 to be replaced by an asparagine (N). Based on data from gnomAD, the A allele has an overall frequency of <0.001% (0/36028) total alleles studied. The highest observed frequency was <0.001% (/) of alleles. Based on insufficient or conflicting evidence, the clinical significance of this alteration remains unclear.

NM_014287.4(NOMO1):c.674G>A (p.Ser225Asn)

Gene: NOMO1 (NODAL modulator 1). Cytogenetic location: 16p13.11.
Variant type: single nucleotide variant.
Coding change: c.674G>A on transcript NM_014287.4 (MANE Select); coding-DNA position 674, G replaced by A.
Protein change: p.Ser225Asn; replaces serine 225 with asparagine.
Molecular consequence: missense variant.
Genome position (GRCh38, 1-based): chr16:14,852,521, G>A. VCF-style: chr16-14852521-G-A. GRCh37 (hg19) VCF-style: chr16-14946378-G-A.
Other names: short protein forms S225N.
Identifiers: ClinVar variation 3300316 (VCV003300316.2).